The following is an entry in ClinVar:

ClinVar aggregate classification (germline): Likely pathogenic (1 of 4 stars; one submission).

Conditions:
Myoclonic dystonia 11 (DYT11). Also called: Dystonia, alcohol responsive; Hereditary essential myoclonus; SGCE Myoclonus-Dystonia; Myoclonus-Dystonia; DYT-SGCE; Myoclonic dystonia. Identifiers: Orphanet 36899, MedGen C1834570, MONDO:0008044, OMIM 159900.

Submission:

Juno Genomics, Hangzhou Juno Genomics, Inc
Classification: Likely pathogenic for Myoclonic dystonia 11. Review status: criteria provided, single submitter. Criteria: ACMG Guidelines, 2015. Collection method: clinical testing. Allele origin: germline.
Comment: Null variant in a gene where loss of function (LOF) is a known mechanism of disease.;Absent from controls (or at extremely low frequency if recessive) in Genome Aggregation Database.

NM_003919.3(SGCE):c.1161del (p.Pro388fs)

Genes: CASD1 (CAS1 domain sialic acid O acetyltransferase 1; plus strand), SGCE (sarcoglycan epsilon; minus strand). Cytogenetic location: 7q21.3.
Variant type: Deletion.
Coding change: c.1161del on transcript NM_003919.3 (MANE Select); coding-DNA position 1161, one base deleted (T; older notation c.1161delT).
Protein change: p.Pro388fs; shifts the reading frame from proline 388.
Molecular consequence: frameshift variant.
Genome position (GRCh38, 1-based): chr7:94,598,867, A deleted on the plus strand (T on the coding strand, the reverse complement: SGCE is on the minus strand); the first of 2 consecutive A bases (chr7:94,598,867-94,598,868); deleting either gives the same sequence. VCF-style (leftmost placement, unchanged base first): chr7-94598866-GA-G. GRCh37 (hg19) VCF-style: chr7-94228178-GA-G.
Other names: c.1134del, p.Pro379fs (NM_001099400.2, NM_001346717.2); c.1161del, p.Pro388fs (NM_001099401.2); c.1038del, p.Pro347fs (NM_001301139.2); c.1269del, p.Pro424fs (NM_001346713.2); c.1242del, p.Pro415fs (NM_001346715.2); c.1074del, p.Pro359fs (NM_001346719.2); c.888del, p.Pro297fs (NM_001346720.2); c.1047del, p.Pro350fs (NM_001362807.2); and 2 more; short protein forms P347fs, P415fs, P424fs, P288fs, P338fs, P359fs, P379fs, P297fs.
Identifiers: ClinVar variation 5007244 (VCV005007244.2).